The following is an entry in ClinVar:

ClinVar aggregate classification (germline): Uncertain significance. Review status: criteria provided, multiple submitters, no conflicts (2 of 4 stars). 2 submissions from 2 submitters: Uncertain significance (2). Last evaluated 2024-10-04.

Conditions:
Inborn genetic diseases. Identifiers: MedGen C0950123, MeSH D030342.

Allele frequency attached by ClinVar (database versions not stated): gnomAD exomes below 0.00001; gnomAD 0.00001.

Submissions (2):

Ambry Genetics
Classification: Uncertain significance for Inborn genetic diseases. Last evaluated: 2024-10-04. Review status: criteria provided, single submitter. Criteria: Ambry Variant Classification Scheme 2023. Collection method: clinical testing. Allele origin: germline.
Comment: The p.V723F variant (also known as c.2167G>T), located in coding exon 21 of the ANKRD26 gene, results from a G to T substitution at nucleotide position 2167. The valine at codon 723 is replaced by phenylalanine, an amino acid with highly similar properties. This amino acid position is conserved. In addition, this alteration is predicted to be tolerated by in silico analysis. Based on the available evidence, the clinical significance of this variant remains unclear.

Labcorp Genetics (formerly Invitae), Labcorp
Classification: Uncertain significance. Last evaluated: 2024-07-21. Review status: criteria provided, single submitter. Criteria: Invitae Variant Classification Sherloc (09022015). Collection method: clinical testing. Allele origin: germline.
Comment: This sequence change replaces valine, which is neutral and non-polar, with phenylalanine, which is neutral and non-polar, at codon 723 of the ANKRD26 protein (p.Val723Phe). This variant is present in population databases (no rsID available, gnomAD 0.007%). This variant has not been reported in the literature in individuals affected with ANKRD26-related conditions. ClinVar contains an entry for this variant (Variation ID: 2177066). An algorithm developed to predict the effect of missense changes on protein structure and function (PolyPhen-2) suggests that this variant is likely to be disruptive. In summary, the available evidence is currently insufficient to determine the role of this variant in disease. Therefore, it has been classified as a Variant of Uncertain Significance.

NM_014915.3(ANKRD26):c.2167G>T (p.Val723Phe)

Gene: ANKRD26 (ankyrin repeat domain 26; minus strand). Cytogenetic location: 10p12.1.
Variant type: single nucleotide variant.
Coding change: c.2167G>T on transcript NM_014915.3 (MANE Select); coding-DNA position 2167, G replaced by T.
Protein change: p.Val723Phe; replaces valine 723 with phenylalanine.
Molecular consequence: missense variant.
Genome position (GRCh38, 1-based): chr10:27,040,173, C>A on the plus strand (G>T on the coding strand, the complement: ANKRD26 is on the minus strand). VCF-style: chr10-27040173-C-A. GRCh37 (hg19) VCF-style: chr10-27329102-C-A.
Other names: c.2164G>T, p.Val722Phe (NM_001256053.2); short protein forms V722F, V723F.
Identifiers: ClinVar variation 2177066 (VCV002177066.5), dbSNP rs1239418111, ClinGen allele CA376368063.
Genomic context (GRCh38, chr10:27,040,173, plus strand): 5'-TTTTAAGTTCTAATAATCTTTCACATGAAAGAGCTGCATCCTGGATTTTCAATAGGCTAA[C>A]AGAATCTGTATCAGGAAGAAAACAAGATAGAAATATATGAGCATTTTTCCATATAACACA-3'
Protein context (NP_055730.2, residues 713-733): EQLGMECKDS[Val723Phe]SLLKIQDAAL